The following is an entry in ClinVar:

ClinVar aggregate classification (germline): Pathogenic (1 of 4 stars; one submission).

Conditions:
Glycine encephalopathy. Also called: Non-ketotic hyperglycinemia; Nonketotic hyperglycinemia. Identifiers: Orphanet 407, MedGen C0751748, MONDO:0011612, HP:0008288.

Allele frequency attached by ClinVar (database versions not stated): TOPMed below 0.00001; gnomAD exomes below 0.00001.
gnomAD v4.1: 2 of 1,606,172 alleles (0.00012%); highest among the groups gnomAD compares: Non-Finnish European, 0.00017%; no homozygotes.

Submission:

Labcorp Genetics (formerly Invitae), Labcorp
Classification: Pathogenic for Glycine encephalopathy. Last evaluated: 2024-06-03. Review status: criteria provided, single submitter. Criteria: Invitae Variant Classification Sherloc (09022015). Collection method: clinical testing. Allele origin: germline.
Comment: This sequence change replaces histidine, which is basic and polar, with tyrosine, which is neutral and polar, at codon 775 of the GLDC protein (p.His775Tyr). This variant is not present in population databases (gnomAD no frequency). This missense change has been observed in individual(s) with glycine encephalopathy (Invitae). ClinVar contains an entry for this variant (Variation ID: 531764). Advanced modeling of protein sequence and biophysical properties (such as structural, functional, and spatial information, amino acid conservation, physicochemical variation, residue mobility, and thermodynamic stability) performed at Invitae indicates that this missense variant is expected to disrupt GLDC protein function with a positive predictive value of 80%. This variant disrupts the p.His775 amino acid residue in GLDC. Other variant(s) that disrupt this residue have been determined to be pathogenic (PMID: 16601880, 27362913). This suggests that this residue is clinically significant, and that variants that disrupt this residue are likely to be disease-causing. For these reasons, this variant has been classified as Pathogenic.

Literature cited by the submitters: PubMed 16601880; PubMed 27362913.

NM_000170.3(GLDC):c.2323C>T (p.His775Tyr)

Gene: GLDC (glycine decarboxylase; minus strand). Cytogenetic location: 9p24.1.
Variant type: single nucleotide variant.
Coding change: c.2323C>T on transcript NM_000170.3 (MANE Select); coding-DNA position 2323, C replaced by T.
Protein change: p.His775Tyr; replaces histidine 775 with tyrosine.
Molecular consequence: missense variant.
Genome position (GRCh38, 1-based): chr9:6,553,502, G>A on the plus strand (C>T on the coding strand, the complement: GLDC is on the minus strand). VCF-style: chr9-6553502-G-A. GRCh37 (hg19) VCF-style: chr9-6553502-G-A.
Other names: short protein forms H775Y.
Identifiers: ClinVar variation 531764 (VCV000531764.3), dbSNP rs1554643619, ClinGen allele CA372879067.